The following is an entry in ClinVar:

NM_000094.4(COL7A1):c.1583G>A (p.Trp528Ter)

Gene: COL7A1 (collagen type VII alpha 1 chain; minus strand). Cytogenetic location: 3p21.31.
Variant type: single nucleotide variant.
Coding change: c.1583G>A on transcript NM_000094.4 (MANE Select); coding-DNA position 1583, G replaced by A.
Protein change: p.Trp528Ter; replaces tryptophan 528 with a stop codon.
Molecular consequence: nonsense.
Genome position (GRCh38, 1-based): chr3:48,591,517, C>T on the plus strand (G>A on the coding strand, the complement: COL7A1 is on the minus strand). VCF-style: chr3-48591517-C-T. GRCh37 (hg19) VCF-style: chr3-48628950-C-T.
Other names: short protein forms W528*.
Identifiers: ClinVar variation 4721351 (VCV004721351.1).

ClinVar aggregate classification (germline): Pathogenic (1 of 4 stars; one submission).

Submission:

Labcorp Genetics (formerly Invitae), Labcorp
Classification: Pathogenic. Last evaluated: 2025-06-12. Review status: criteria provided, single submitter. Criteria: Invitae Variant Classification Sherloc (09022015). Collection method: clinical testing. Allele origin: germline.
Comment: This sequence change creates a premature translational stop signal (p.Trp528*) in the COL7A1 gene. It is expected to result in an absent or disrupted protein product. Loss-of-function variants in COL7A1 are known to be pathogenic (PMID: 16971478). This variant is not present in population databases (gnomAD no frequency). This variant has not been reported in the literature in individuals affected with COL7A1-related conditions. Algorithms developed to predict the effect of sequence changes on RNA splicing suggest that this variant may disrupt the consensus splice site. For these reasons, this variant has been classified as Pathogenic.

Literature cited by the submitters: PubMed 16971478.